The following is an entry in ClinVar:

ClinVar aggregate classification (germline): Conflicting classifications of pathogenicity. Review status: criteria provided, conflicting classifications (1 of 4 stars). 4 submissions from 3 submitters: Uncertain significance (2); Benign (1); Likely benign (1). Last evaluated 2023-04-01.

Conditions:
Meckel syndrome, type 6. Identifiers: Orphanet 564, MedGen C2676790, MONDO:0012848, OMIM 612284.
Joubert syndrome 9 (JBTS9). Identifiers: Orphanet 2318, MedGen C2676788, MONDO:0012849, OMIM 612285.

Allele frequency attached by ClinVar (database versions not stated): gnomAD 0.00622 and 0.00636; 1000 Genomes Project 30x 0.00219; 1000 Genomes Project 0.00280; TOPMed 0.00582.

Submissions (4):

CeGaT Center for Human Genetics Tuebingen
Classification: Likely benign. Last evaluated: 2023-04-01. Review status: criteria provided, single submitter. Criteria: CeGaT Center For Human Genetics Tuebingen Variant Classification Criteria Version 2. Collection method: clinical testing. Allele origin: germline. Affected: yes. Observed: 2 variant alleles.
Comment: CC2D2A: BS2

Illumina Laboratory Services, Illumina
Classification: Uncertain significance for Meckel syndrome, type 6. Last evaluated: 2018-01-13. Review status: criteria provided, single submitter. Criteria: ICSL Variant Classification Criteria 13 December 2019. Collection method: clinical testing. Allele origin: germline.

Illumina Laboratory Services, Illumina
Classification: Uncertain significance for Joubert syndrome 9. Last evaluated: 2018-01-13. Review status: criteria provided, single submitter. Criteria: ICSL Variant Classification Criteria 13 December 2019. Collection method: clinical testing. Allele origin: germline.

GeneDx
Classification: Benign. Last evaluated: 2015-04-09. Review status: criteria provided, single submitter. Criteria: GeneDx Variant Classification (06012015). Collection method: clinical testing. Allele origin: germline. Affected: yes.
Comment: This variant is considered likely benign or benign based on one or more of the following criteria: it is a conservative change, it occurs at a poorly conserved position in the protein, it is predicted to be benign by multiple in silico algorithms, and/or has population frequency not consistent with disease.

NM_001378615.1(CC2D2A):c.-18-2673G>A

Genes: CC2D2A (coiled-coil and C2 domain containing 2A; plus strand), FBXL5 (F-box and leucine rich repeat protein 5; minus strand). Cytogenetic location: 4p15.32.
Variant type: single nucleotide variant.
Coding change: c.-18-2673G>A on transcript NM_001378615.1 (MANE Select); 2673 bases into the intron before 18 bases upstream of the start codon, G replaced by A.
Molecular consequence: intron variant. On other transcripts: 5 prime UTR variant (2).
Genome position (GRCh38, 1-based): chr4:15,473,242, G>A. VCF-style: chr4-15473242-G-A. GRCh37 (hg19) VCF-style: chr4-15474866-G-A.
Other names: c.-32G>A (NM_001080522.2, NM_020785.2); c.-18-2673G>A (NM_001164720.3).
Identifiers: ClinVar variation 347751 (VCV000347751.36), dbSNP rs183968785, ClinGen allele CA10620305.
Genomic context (GRCh38, chr4:15,473,242, plus strand): 5'-GGTAAACAATAAACAAAATAATGTTTCTGCCCTCTTGCAGCTATATTCTAATGGATATGG[G>A]CTGACATTAACAAGTAAGTATGTATGTTGAGTGGTAATAAGTACTGTGAAAAAATCATTG-3'